The following is an entry in ClinVar:

NM_000465.4(BARD1):c.634_635delinsTT (p.Ala212Phe)

Gene: BARD1 (BRCA1 associated RING domain 1; minus strand). Cytogenetic location: 2q35.
Variant type: Indel.
Coding change: c.634_635delinsTT on transcript NM_000465.4 (MANE Select); coding-DNA positions 634 to 635, GC replaced by TT.
Protein change: p.Ala212Phe; replaces alanine 212 with phenylalanine.
Molecular consequence: missense variant. On other transcripts: non-coding transcript variant (2), intron variant (3).
Genome position (GRCh38, 1-based): chr2:214,781,239-214,781,240, GC replaced by AA on the plus strand (GC replaced by TT on the coding strand, the reverse complement: BARD1 is on the minus strand). VCF-style: chr2-214781239-GC-AA. GRCh37 (hg19) VCF-style: chr2-215645963-GC-AA.
Other names: c.577_578delinsTT, p.Ala193Phe (NM_001282543.2); c.158+28172_158+28173delinsTT (NM_001282548.2); c.215+15821_215+15822delinsTT (NM_001282545.2); c.364+11057_364+11058delinsTT (NM_001282549.2); short protein forms A193F, A212F.
Identifiers: ClinVar variation 4621819 (VCV004621819.1).

ClinVar aggregate classification (germline): Uncertain significance (1 of 4 stars; one submission).

Conditions:
Hereditary cancer-predisposing syndrome. Also called: Neoplastic Syndromes, Hereditary; Tumor predisposition; Hereditary Cancer Syndrome; Hereditary neoplastic syndrome. Identifiers: Orphanet 140162, MedGen C0027672, MeSH D009386, MONDO:0015356.

Submission:

Ambry Genetics
Classification: Uncertain significance for Hereditary cancer-predisposing syndrome. Last evaluated: 2025-11-19. Review status: criteria provided, single submitter. Criteria: Ambry Variant Classification Scheme 2023. Collection method: clinical testing. Allele origin: germline.
Comment: The c.634_635delGCinsTT variant (also known as p.A212F), located in coding exon 4 of the BARD1 gene, results from an in-frame deletion of GC and insertion of TT at nucleotide positions 634 to 635. This results in the substitution of the alanine residue for a phenylalanine residue at codon 212, an amino acid with dissimilar properties. This amino acid position is well conserved in available vertebrate species. In addition, the in silico prediction for this variant is inconclusive (Choi Y et al. PLoS ONE. 2012; 7(10):e46688). Based on the available evidence, the clinical significance of this variant remains unclear.